The following is an entry in ClinVar:

ClinVar aggregate classification (germline): Uncertain significance (1 of 4 stars; one submission).

Conditions:
Kabuki syndrome. Also called: NIIKAWA-KUROKI SYNDROME; Kabuki make-up syndrome. Identifiers: Orphanet 2322, MedGen C0796004, MONDO:0016512.

Submission:

Labcorp Genetics (formerly Invitae), Labcorp
Classification: Uncertain significance for Kabuki syndrome. Last evaluated: 2024-10-21. Review status: criteria provided, single submitter. Criteria: Invitae Variant Classification Sherloc (09022015). Collection method: clinical testing. Allele origin: germline.
Comment: This sequence change replaces glycine, which is neutral and non-polar, with aspartic acid, which is acidic and polar, at codon 2091 of the KMT2D protein (p.Gly2091Asp). This variant is not present in population databases (gnomAD no frequency). This variant has not been reported in the literature in individuals affected with KMT2D-related conditions. Invitae Evidence Modeling of protein sequence and biophysical properties (such as structural, functional, and spatial information, amino acid conservation, physicochemical variation, residue mobility, and thermodynamic stability) indicates that this missense variant is not expected to disrupt KMT2D protein function with a negative predictive value of 95%. Algorithms developed to predict the effect of sequence changes on RNA splicing suggest that this variant may create or strengthen a splice site. In summary, the available evidence is currently insufficient to determine the role of this variant in disease. Therefore, it has been classified as a Variant of Uncertain Significance.

NM_003482.4(KMT2D):c.6272G>A (p.Gly2091Asp)

Gene: KMT2D (lysine methyltransferase 2D; minus strand). Cytogenetic location: 12q13.12.
Variant type: single nucleotide variant.
Coding change: c.6272G>A on transcript NM_003482.4 (MANE Select); coding-DNA position 6272, G replaced by A.
Protein change: p.Gly2091Asp; replaces glycine 2091 with aspartic acid.
Molecular consequence: missense variant.
Genome position (GRCh38, 1-based): chr12:49,041,498, C>T on the plus strand (G>A on the coding strand, the complement: KMT2D is on the minus strand). VCF-style: chr12-49041498-C-T. GRCh37 (hg19) VCF-style: chr12-49435281-C-T.
Other names: short protein forms G2091D.
Identifiers: ClinVar variation 3635147 (VCV003635147.2).